The following is an entry in ClinVar:

NM_020911.2(PLXNA4):c.1928G>T (p.Gly643Val)

Gene: PLXNA4 (plexin A4; minus strand). Cytogenetic location: 7q32.3.
Variant type: single nucleotide variant.
Coding change: c.1928G>T on transcript NM_020911.2 (MANE Select); coding-DNA position 1928, G replaced by T.
Protein change: p.Gly643Val; replaces glycine 643 with valine.
Molecular consequence: missense variant.
Genome position (GRCh38, 1-based): chr7:132,226,215, C>A on the plus strand (G>T on the coding strand, the complement: PLXNA4 is on the minus strand). VCF-style: chr7-132226215-C-A. GRCh37 (hg19) VCF-style: chr7-131910974-C-A.
Other names: c.1928G>T, p.Gly643Val (NM_001393897.1); short protein forms G643V.
Identifiers: ClinVar variation 4998528 (VCV004998528.1).
Genomic context (GRCh38, chr7:132,226,215, plus strand): 5'-ACTTACGAATTGTGGACGCTGCAATTGTAGAAGACAAAGCTGGTGCTGGCGAAGGTCATG[C>A]CGGTCTCCTTTGATTTGAGCTGAAGCTGTACGACATGGTGGTCCCCTACAAGGAGAGATG-3'
Protein context (NP_065962.1, residues 633-653): VQLQLKSKET[Gly643Val]MTFASTSFVF

ClinVar aggregate classification (germline): Uncertain significance (1 of 4 stars; one submission).

Conditions:
PLXNA4-related disorder. Also called: PLXNA4-related condition.

gnomAD v4.1: 1 of 1,613,892 alleles (0.000062%); highest among the groups gnomAD compares: South Asian, 0.0011%; no homozygotes.

Submission:

PreventionGenetics, part of Exact Sciences
Classification: Uncertain significance for PLXNA4-related condition. Last evaluated: 2025-01-06. Review status: criteria provided, single submitter. Criteria: ACMG Guidelines, 2015. Collection method: clinical testing. Allele origin: germline.
Comment: The PLXNA4 c.1928G>T variant is predicted to result in the amino acid substitution p.Gly643Val. To our knowledge, this variant has not been reported in the literature. This variant is reported in 0.0033% of alleles in individuals of South Asian descent in gnomAD. At this time, the clinical significance of this variant is uncertain due to the absence of conclusive functional and genetic evidence.